The following is an entry in ClinVar:

ClinVar aggregate classification (germline): Uncertain significance (1 of 4 stars; one submission).

Conditions:
Hereditary cancer-predisposing syndrome. Also called: Neoplastic Syndromes, Hereditary; Tumor predisposition; Hereditary neoplastic syndrome; Hereditary Cancer Syndrome. Identifiers: Orphanet 140162, MedGen C0027672, MeSH D009386, MONDO:0015356.
Cardiovascular phenotype. Identifiers: MedGen CN230736.

Submission:

Ambry Genetics
Classification: Uncertain significance for Cardiovascular phenotype; Hereditary cancer-predisposing syndrome. Last evaluated: 2023-06-28. Review status: criteria provided, single submitter. Criteria: Ambry Variant Classification Scheme 2023. Collection method: clinical testing. Allele origin: germline.
Comment: The p.M1022I variant (also known as c.3066G>A), located in coding exon 23 of the NF1 gene, results from a G to A substitution at nucleotide position 3066. The methionine at codon 1022 is replaced by isoleucine, an amino acid with highly similar properties. This amino acid position is conserved. In addition, the in silico prediction for this alteration is inconclusive. Since supporting evidence is limited at this time, the clinical significance of this alteration remains unclear.

NM_001042492.3(NF1):c.3066G>A (p.Met1022Ile)

Gene: NF1 (neurofibromin 1; plus strand). Cytogenetic location: 17q11.2.
Variant type: single nucleotide variant.
Coding change: c.3066G>A on transcript NM_001042492.3 (MANE Select); coding-DNA position 3066, G replaced by A.
Protein change: p.Met1022Ile; replaces methionine 1022 with isoleucine.
Molecular consequence: missense variant.
Genome position (GRCh38, 1-based): chr17:31,230,335, G>A. VCF-style: chr17-31230335-G-A. GRCh37 (hg19) VCF-style: chr17-29557353-G-A.
Other names: c.3066G>A, p.Met1022Ile (NM_000267.4); short protein forms M1022I.
Identifiers: ClinVar variation 3237713 (VCV003237713.1), dbSNP rs2151431664.